The following is an entry in ClinVar:

NM_032538.3(TTBK1):c.773G>A (p.Arg258Gln)

Gene: TTBK1 (tau tubulin kinase 1; plus strand). Cytogenetic location: 6p21.1.
Variant type: single nucleotide variant.
Coding change: c.773G>A on transcript NM_032538.3 (MANE Select); coding-DNA position 773, G replaced by A.
Protein change: p.Arg258Gln; replaces arginine 258 with glutamine.
Molecular consequence: missense variant.
Genome position (GRCh38, 1-based): chr6:43,255,768, G>A. VCF-style: chr6-43255768-G-A. GRCh37 (hg19) VCF-style: chr6-43223506-G-A.
Other names: short protein forms R258Q.
Identifiers: ClinVar variation 208398 (VCV000208398.3), dbSNP rs759748655, ClinGen allele CA210457.
Genomic context (GRCh38, chr6:43,255,768, plus strand): 5'-TCCCTGTGGCCTCTTGCCTCCAGGAACAGGTAGGGATGATCAAGGAGAAGTATGAGCACC[G>A]GATGCTGCTGAAGCACATGCCGTCAGAGTTCCACCTCTTCCTGGACCACATTGCCAGCCT-3'
Protein context (NP_115927.1, residues 248-268): VGMIKEKYEH[Arg258Gln]MLLKHMPSEF

ClinVar aggregate classification (germline): Likely pathogenic (1 of 4 stars; one submission).

Conditions:
Childhood-onset schizophrenia. Also called: Childhood schizophrenia. Identifiers: Orphanet 641496, MedGen C0036346, MONDO:0957430.

Allele frequency attached by ClinVar (database versions not stated): ExAC 0.00002; TOPMed 0.00002.

Submission:

Dr. Guy Rouleau's laboratory, McGill University
Classification: Likely pathogenic for Childhood Onset Schizophrenia. Last evaluated: 2014-01-01. Review status: criteria provided, single submitter. Criteria: Submitter's publication. Collection method: research. Allele origin: de novo. Affected: yes. Observed: 1 variant allele.
Comment: Identified by next generation sequencing and validated by Sanger sequencing